The following is an entry in ClinVar:

NM_001370658.1(BTD):c.760A>G (p.Asn254Asp)

Gene: BTD (biotinidase; plus strand). Cytogenetic location: 3p25.1.
Variant type: single nucleotide variant.
Coding change: c.760A>G on transcript NM_001370658.1 (MANE Select); coding-DNA position 760, A replaced by G.
Protein change: p.Asn254Asp; replaces asparagine 254 with aspartic acid.
Molecular consequence: missense variant. On other transcripts: intron variant (6).
Genome position (GRCh38, 1-based): chr3:15,644,676, A>G. VCF-style: chr3-15644676-A-G. GRCh37 (hg19) VCF-style: chr3-15686183-A-G.
Other names: c.760A>G, p.Asn254Asp (NM_001281723.4, NM_001281724.3, NM_001281725.3 and 18 more transcripts); c.399+2619A>G (NM_001370753.1, NM_001407400.1, NM_001407401.1 and 3 more transcripts); short protein forms N254D.
Identifiers: ClinVar variation 4797765 (VCV004797765.1).

ClinVar aggregate classification (germline): Uncertain significance (1 of 4 stars; one submission).

Conditions:
Biotinidase deficiency. Also called: BTD deficiency; Late-onset biotin-responsive multiple carboxylase deficiency; Biotin deficiency. Identifiers: Orphanet 79241, MedGen C0220754, MONDO:0009665, OMIM 253260.

gnomAD v4.1: 1 of 1,614,100 alleles (0.000062%); highest among the groups gnomAD compares: Non-Finnish European, 0.000085%; no homozygotes.

Submission:

Labcorp Genetics (formerly Invitae), Labcorp
Classification: Uncertain significance for Biotinidase deficiency. Last evaluated: 2025-09-03. Review status: criteria provided, single submitter. Criteria: Invitae Variant Classification Sherloc (09022015). Collection method: clinical testing. Allele origin: germline.
Comment: This sequence change replaces asparagine, which is neutral and polar, with aspartic acid, which is acidic and polar, at codon 274 of the BTD protein (p.Asn274Asp). This variant is not present in population databases (gnomAD no frequency). This variant has not been reported in the literature in individuals affected with BTD-related conditions. Invitae Evidence Modeling of protein sequence and biophysical properties (such as structural, functional, and spatial information, amino acid conservation, physicochemical variation, residue mobility, and thermodynamic stability) indicates that this missense variant is expected to disrupt BTD protein function with a positive predictive value of 80%. In summary, the available evidence is currently insufficient to determine the role of this variant in disease. Therefore, it has been classified as a Variant of Uncertain Significance.